The following is an entry in ClinVar:

NM_001347721.2(DYRK1A):c.814dup (p.Leu272fs)

Gene: DYRK1A (dual specificity tyrosine phosphorylation regulated kinase 1A; plus strand). Cytogenetic location: 21q22.13.
Variant type: Duplication.
Coding change: c.814dup on transcript NM_001347721.2 (MANE Select); coding-DNA position 814, one base duplicated (C; older notation c.814dupC).
Protein change: p.Leu272fs; shifts the reading frame from leucine 272.
Molecular consequence: frameshift variant.
Genome position (GRCh38, 1-based): chr21:37,490,351, C duplicated. VCF-style (leftmost placement, unchanged base first): chr21-37490350-A-AC. GRCh37 (hg19) VCF-style: chr21-38862652-A-AC.
Other names: c.814dup, p.Leu272fs (NM_001347722.2, NM_130436.2); c.727dup, p.Leu243fs (NM_001347723.2); c.841dup, p.Leu281fs (NM_001396.5, NM_101395.2, NM_130438.2); short protein forms L243fs, L272fs, L281fs.
Identifiers: ClinVar variation 817461 (VCV000817461.1), dbSNP rs1601269091, ClinGen allele CA915952629.

ClinVar aggregate classification (germline): Pathogenic (1 of 4 stars; one submission).

Submission:

GeneDx
Classification: Pathogenic. Last evaluated: 2019-03-08. Review status: criteria provided, single submitter. Criteria: GeneDx Variant Classification (06012015). Collection method: clinical testing. Allele origin: germline. Affected: yes.
Comment: The c.841dupC variant in the DYRK1A gene has not been reported previously as a pathogenic variant nor as a benign variant, to our knowledge. The c.841dupC variant causes a frameshift starting with codon Leucine 281, changes this amino acid to a Proline residue, and creates a premature Stop codon at position 2 of the new reading frame, denoted p.Leu281ProfsX2. This variant is predicted to cause loss of normal protein function either through protein truncation or nonsense-mediated mRNA decay. The c.841dupC variant is not observed in large population cohorts (Lek et al., 2016). We interpret c.841dupC as a pathogenic variant,